The following is an entry in ClinVar:

ClinVar aggregate classification (germline): Uncertain significance. Review status: criteria provided, multiple submitters, no conflicts (2 of 4 stars). 2 submissions from 2 submitters: Uncertain significance (2). Last evaluated 2024-04-24.

Conditions:
Werner syndrome (WRN). Identifiers: Orphanet 902, MedGen C0043119, MONDO:0010196, OMIM 277700.

Allele frequency attached by ClinVar (database versions not stated): gnomAD exomes 0.00001; ExAC 0.00002.

Submissions (2):

Fulgent Genetics
Classification: Uncertain significance for Werner syndrome. Last evaluated: 2024-04-24. Review status: criteria provided, single submitter. Criteria: ACMG Guidelines, 2015. Collection method: clinical testing. Allele origin: germline.

Labcorp Genetics (formerly Invitae), Labcorp
Classification: Uncertain significance for Werner syndrome. Last evaluated: 2022-08-23. Review status: criteria provided, single submitter. Criteria: Invitae Variant Classification Sherloc (09022015). Collection method: clinical testing. Allele origin: germline.
Comment: This sequence change replaces cysteine, which is neutral and slightly polar, with tyrosine, which is neutral and polar, at codon 791 of the WRN protein (p.Cys791Tyr). This variant is present in population databases (rs754423621, gnomAD 0.006%). This variant has not been reported in the literature in individuals affected with WRN-related conditions. ClinVar contains an entry for this variant (Variation ID: 1055940). Algorithms developed to predict the effect of missense changes on protein structure and function are either unavailable or do not agree on the potential impact of this missense change (SIFT: "Not Available"; PolyPhen-2: "Probably Damaging"; Align-GVGD: "Not Available"). In summary, the available evidence is currently insufficient to determine the role of this variant in disease. Therefore, it has been classified as a Variant of Uncertain Significance.

NM_000553.6(WRN):c.2372G>A (p.Cys791Tyr)

Gene: WRN (WRN RecQ like helicase; plus strand). Cytogenetic location: 8p12.
Variant type: single nucleotide variant.
Coding change: c.2372G>A on transcript NM_000553.6 (MANE Select); coding-DNA position 2372, G replaced by A.
Protein change: p.Cys791Tyr; replaces cysteine 791 with tyrosine.
Molecular consequence: missense variant.
Genome position (GRCh38, 1-based): chr8:31,116,452, G>A. VCF-style: chr8-31116452-G-A. GRCh37 (hg19) VCF-style: chr8-30973968-G-A.
Other names: short protein forms C791Y.
Identifiers: ClinVar variation 1055940 (VCV001055940.3), dbSNP rs754423621, ClinGen allele CA4704731.